The following is an entry in ClinVar:

ClinVar aggregate classification (germline): Pathogenic. Review status: criteria provided, multiple submitters, no conflicts (2 of 4 stars). 9 submissions from 9 submitters: Pathogenic (6). 3 of the submissions do not count toward it. Last evaluated 2026-06-22.

Conditions:
CRLF1-related disorder. Also called: CRLF1-related condition.
Inborn genetic diseases. Identifiers: MedGen C0950123, MeSH D030342.
Cold-induced sweating syndrome 1 (CISS1). Also called: CRLF1-Related Cold-Induced Sweating Syndrome including Crisponi Syndrome; CRISPONI/COLD-INDUCED SWEATING SYNDROME 1; MUSCLE CONTRACTIONS, TETANOFORM, WITH CHARACTERISTIC FACE, CAMPTODACTYLY, HYPERTHERMIA, AND SUDDEN DEATH; Crisponi syndrome. Identifiers: Orphanet 1545, Orphanet 157820, MedGen C1848947, MONDO:0010091, OMIM 272430.
Cold-induced sweating syndrome. Also called: Cold-Induced Sweating Syndrome Including Crisponi Syndrome. Identifiers: Orphanet 157820, MedGen C1832409, MONDO:0015526.

Submissions (9):

Women's Health and Genetics/Laboratory Corporation of America, LabCorp
Classification: Pathogenic for Cold-induced sweating syndrome. Last evaluated: 2026-06-22. Review status: criteria provided, single submitter. Criteria: LabCorp Variant Classification Summary - May 2015. Collection method: clinical testing. Allele origin: germline.
Comment: Variant summary: CRLF1 c.713dupC (p.Pro239AlafsX91) results in a premature termination codon, predicted to cause a truncation of the encoded protein or absence of the protein due to nonsense mediated decay, which are commonly known mechanisms for disease. The variant allele was found at a frequency of 9e-05 in 244670 control chromosomes. This frequency is not significantly higher than estimated for disease-causing variants in CRLF1, allowing no conclusion about variant significance. c.713dupC has been observed in two homozygous individuals affected with clinical features of Cold-Induced Sweating Syndrome (Dagoneau_2007). These data indicate that the variant is likely to be associated with disease. At least one publication reports experimental evidence evaluating an impact on gene function (Dagoneau_2007) and the most pronounced variant effect results in about 21% of normal mRNA levels in patient's fibroblasts. The following publication have been ascertained in the context of this evaluation (PMID: 17436251). ClinVar contains an entry for this variant (Variation ID: 216913). Based on the evidence outlined above, the variant was classified as pathogenic.

Labcorp Genetics (formerly Invitae), Labcorp
Classification: Pathogenic. Last evaluated: 2024-03-04. Review status: criteria provided, single submitter. Criteria: Invitae Variant Classification Sherloc (09022015). Collection method: clinical testing. Allele origin: germline.
Comment: This sequence change creates a premature translational stop signal (p.Pro239Alafs*91) in the CRLF1 gene. It is expected to result in an absent or disrupted protein product. Loss-of-function variants in CRLF1 are known to be pathogenic (PMID: 17436252, 19012339). This variant is present in population databases (rs768727082, gnomAD 0.05%). This premature translational stop signal has been observed in individual(s) with clinical features of autosomal recessive cold-induced sweating syndrome (PMID: 17436251, 24488861, 27976805). ClinVar contains an entry for this variant (Variation ID: 216913). For these reasons, this variant has been classified as Pathogenic.

Fulgent Genetics
Classification: Pathogenic for Cold-induced sweating syndrome 1. Last evaluated: 2024-02-26. Review status: criteria provided, single submitter. Criteria: ACMG Guidelines, 2015. Collection method: clinical testing. Allele origin: germline.

Ambry Genetics
Classification: Pathogenic for Inborn genetic diseases. Last evaluated: 2022-09-26. Review status: criteria provided, single submitter. Criteria: Ambry Variant Classification Scheme 2023. Collection method: clinical testing. Allele origin: germline.
Comment: The c.713dupC (p.P239Afs*91) alteration, located in exon 5 (coding exon 5) of the CRLF1 gene, consists of a duplication of C at position 713, causing a translational frameshift with a predicted alternate stop codon after 91 amino acids. This alteration is expected to result in loss of function by premature protein truncation or nonsense-mediated mRNA decay. Based on data from gnomAD, the c.713dupC allele has an overall frequency of 0.01% (26/275984) total alleles studied. The highest observed frequency was 0.05% (17/35212) of Latino alleles. This variant has been reported in the homozygous and compound heterozygous states in individuals with CRLF1-related cold-induced sweating syndrome (Dagoneau, 2007; Aljabari, 2013; Gonz&aacute;lez Fern&aacute;ndez, 2013; Piras, 2014). Based on the available evidence, this alteration is classified as pathogenic.

UCLA Clinical Genomics Center, UCLA
Classification: Pathogenic for Cold-induced sweating syndrome 1. Last evaluated: 2014-02-11. Review status: criteria provided, single submitter. Criteria: Lee et al. (JAMA. 2014). Collection method: clinical testing. Allele origin: germline. Inheritance: Autosomal recessive inheritance. Affected: yes. Study: CES.

Imagene.me medical diagnostic laboratory, IMAGENE.ME SA
Classification: Pathogenic for Cold-induced sweating syndrome 1. Review status: criteria provided, single submitter. Criteria: IMAGENE.ME Variant Classification SOP 2022. Collection method: clinical testing. Allele origin: germline. Affected: yes.
Comment: Classified according to the IMAGENE.ME variant classification SOP based on the ACMG guidelines as Pathogenic (P): PVS1 + PM2 + PP5 + PP4

PreventionGenetics, part of Exact Sciences
Classification: Pathogenic for CRLF1-related condition. Last evaluated: 2024-06-24. Review status: no assertion criteria provided. Collection method: clinical testing. Allele origin: germline. Not counted in ClinVar's aggregate classification.
Comment: The CRLF1 c.713dupC variant is predicted to result in a frameshift and premature protein termination (p.Pro239Alafs*91). This variant was reported in the homozygous state in a family with Crisponi syndrome (Family 3 in Dagoneau et al. 2007. PubMed ID: 17436251), in the homozygous state in patients with cold-induced sweating syndrome (González Fernández et al. 2013. PubMed ID: 24008591; Herholz et al. 2011. PubMed ID: 21326283), and in the compound heterozygous state in a family with achalasia (Busch et al. 2017. PubMed ID: 27976805). Functional analysis showed that this variant disrupts CRLF1 secretion (Herholz et. 2011. PubMed ID: 21326283). This variant is reported in 0.048% of alleles in individuals of Latino descent in gnomAD. Frameshift variants in CRLF1 are expected to be pathogenic. Based on this evidence, this variant is interpreted as pathogenic.

OMIM
Classification: Pathogenic for CRISPONI/COLD-INDUCED SWEATING SYNDROME 1. Last evaluated: 2007-05-01. Review status: no assertion criteria provided. Collection method: literature only. Allele origin: germline. Not counted in ClinVar's aggregate classification.

GeneReviews
No classification provided. Condition: Cold-induced sweating syndrome 1. Review status: no classification provided. Collection method: literature only. Allele origin: germline. Not counted in ClinVar's aggregate classification.
Comment: Founder variant in the Roma population (Spain)

Literature cited by the submitters: PubMed 17436251 (cited by 4 submitters); PubMed 17436252 (cited by Labcorp Genetics (formerly Invitae), Labcorp); PubMed 19012339 (cited by Labcorp Genetics (formerly Invitae), Labcorp); PubMed 24488861 (cited by Labcorp Genetics (formerly Invitae), Labcorp and Ambry Genetics); PubMed 27976805 (cited by Labcorp Genetics (formerly Invitae), Labcorp); PubMed 24008591 (cited by Ambry Genetics); PubMed 24073352 (cited by Ambry Genetics); PubMed 31497877 (cited by GeneReviews); PubMed 21370513 (cited by GeneReviews).

NM_004750.5(CRLF1):c.713dup (p.Pro239fs)

Gene: CRLF1 (cytokine receptor like factor 1; minus strand). Cytogenetic location: 19p13.11.
Variant type: Duplication.
Coding change: c.713dup on transcript NM_004750.5 (MANE Select); coding-DNA position 713, one base duplicated (C; older notation c.713dupC).
Protein change: p.Pro239fs; shifts the reading frame from proline 239.
Molecular consequence: frameshift variant.
Genome position (GRCh38, 1-based): chr19:18,597,034, G duplicated on the plus strand (C on the coding strand, the reverse complement: CRLF1 is on the minus strand); the first of 6 consecutive G bases (chr19:18,597,034-18,597,039); duplicating any one gives the same sequence. VCF-style (leftmost placement, unchanged base first): chr19-18597033-C-CG. GRCh37 (hg19) VCF-style: chr19-18707843-C-CG.
Other names: c.713dupC (NM_004750.5); short protein forms P239fs.
Identifiers: ClinVar variation 216913 (VCV000216913.15), dbSNP rs768727082, ClinGen allele CA277471.